The following is an entry in ClinVar:

NM_018417.6(ADCY10):c.292+6G>A

Genes: DCAF6 (DDB1 and CUL4 associated factor 6; plus strand), ADCY10 (adenylate cyclase 10; minus strand). Cytogenetic location: 1q24.2.
Variant type: single nucleotide variant.
Coding change: c.292+6G>A on transcript NM_018417.6 (MANE Select); 6 bases into the intron after coding-DNA position 292, G replaced by A.
Molecular consequence: intron variant.
Genome position (GRCh38, 1-based): chr1:167,902,010, C>T on the plus strand (G>A on the coding strand, the complement: ADCY10 is on the minus strand). VCF-style: chr1-167902010-C-T. GRCh37 (hg19) VCF-style: chr1-167871248-C-T.
Other names: c.-22+6G>A (NM_001297772.2); c.-24+6G>A (NM_001167749.3).
Identifiers: ClinVar variation 2963510 (VCV002963510.3), dbSNP rs776188642, ClinGen allele CA1228338.

ClinVar aggregate classification (germline): Uncertain significance (1 of 4 stars; one submission).

Allele frequency attached by ClinVar (database versions not stated): ExAC 0.00001.
gnomAD v4.1: 12 of 1,613,820 alleles (0.00074%); highest among the groups gnomAD compares: Non-Finnish European, 0.00093%; no homozygotes.

Submission:

Labcorp Genetics (formerly Invitae), Labcorp
Classification: Uncertain significance. Last evaluated: 2024-01-10. Review status: criteria provided, single submitter. Criteria: Invitae Variant Classification Sherloc (09022015). Collection method: clinical testing. Allele origin: germline.
Comment: This sequence change falls in intron 4 of the ADCY10 gene. It does not directly change the encoded amino acid sequence of the ADCY10 protein. It affects a nucleotide within the consensus splice site. This variant is present in population databases (rs776188642, gnomAD 0.002%). This variant has not been reported in the literature in individuals affected with ADCY10-related conditions. Variants that disrupt the consensus splice site are a relatively common cause of aberrant splicing (PMID: 17576681, 9536098). Algorithms developed to predict the effect of sequence changes on RNA splicing suggest that this variant is not likely to affect RNA splicing. In summary, the available evidence is currently insufficient to determine the role of this variant in disease. Therefore, it has been classified as a Variant of Uncertain Significance.

Literature cited by the submitters: PubMed 17576681; PubMed 9536098.